The following is an entry in ClinVar:

ClinVar aggregate classification (germline): Likely benign (1 of 4 stars; one submission).

Allele frequency attached by ClinVar (database versions not stated): TOPMed 0.00967; gnomAD 0.00754; 1000 Genomes Project 30x 0.00906; 1000 Genomes Project 0.00998.

Submission:

GeneDx
Classification: Likely benign. Last evaluated: 2018-06-14. Review status: criteria provided, single submitter. Criteria: GeneDx Variant Classification (06012015). Collection method: clinical testing. Allele origin: germline. Affected: yes.
Comment: This variant is considered likely benign or benign based on one or more of the following criteria: it is a conservative change, it occurs at a poorly conserved position in the protein, it is predicted to be benign by multiple in silico algorithms, and/or has population frequency not consistent with disease.

NM_000071.3(CBS):c.1145+241A>G

Gene: CBS (cystathionine beta-synthase; minus strand). Cytogenetic location: 21q22.3.
Variant type: single nucleotide variant.
Coding change: c.1145+241A>G on transcript NM_000071.3 (MANE Select); 241 bases into the intron after coding-DNA position 1145, A replaced by G.
Molecular consequence: intron variant.
Genome position (GRCh38, 1-based): chr21:43,060,200, T>C on the plus strand (A>G on the coding strand, the complement: CBS is on the minus strand). VCF-style: chr21-43060200-T-C. GRCh37 (hg19) VCF-style: chr21-44480310-T-C.
Other names: c.1145+241A>G (NM_001320298.2, NM_001178009.3, NM_001178008.3); c.830+241A>G (NM_001321072.1).
Identifiers: ClinVar variation 679082 (VCV000679082.1), dbSNP rs112218368, ClinGen allele CA321689428.